The following is an entry in ClinVar:

NM_000433.4(NCF2):c.21C>G (p.Ile7Met)

Gene: NCF2 (neutrophil cytosolic factor 2; minus strand). Cytogenetic location: 1q25.3.
Variant type: single nucleotide variant.
Coding change: c.21C>G on transcript NM_000433.4 (MANE Select); coding-DNA position 21, C replaced by G.
Protein change: p.Ile7Met; replaces isoleucine 7 with methionine.
Molecular consequence: missense variant.
Genome position (GRCh38, 1-based): chr1:183,590,309, G>C on the plus strand (C>G on the coding strand, the complement: NCF2 is on the minus strand). VCF-style: chr1-183590309-G-C. GRCh37 (hg19) VCF-style: chr1-183559444-G-C.
Other names: c.21C>G, p.Ile7Met (NM_001127651.3, NM_001190789.2, NM_001190794.2); short protein forms I7M.
Identifiers: ClinVar variation 638967 (VCV000638967.6), dbSNP rs995270345, ClinGen allele CA33993122.

ClinVar aggregate classification (germline): Uncertain significance (1 of 4 stars; one submission).

Conditions:
Granulomatous disease, chronic, autosomal recessive, cytochrome b-positive, type 2. Also called: Chronic Granulomatous Disease, Autosomal Recessive, Cytochrome b-Positive, Type II; CGD, AUTOSOMAL RECESSIVE CYTOCHROME b-POSITIVE, TYPE II; GRANULOMATOUS DISEASE, CHRONIC, AUTOSOMAL RECESSIVE, 2; GRANULOMATOUS DISEASE, CHRONIC, DUE TO NCF2 DEFICIENCY; Chronic granulomatous disease due to deficiency of NCF-2. Identifiers: Orphanet 379, MedGen C1856245, MONDO:0009310, OMIM 233710.

Allele frequency attached by ClinVar (database versions not stated): gnomAD exomes below 0.00001; gnomAD 0.00005; TOPMed 0.00009.
gnomAD v4.1: 14 of 1,613,986 alleles (0.00087%); highest among the groups gnomAD compares: African/African-American, 0.016%; no homozygotes.

Submission:

Labcorp Genetics (formerly Invitae), Labcorp
Classification: Uncertain significance for Granulomatous disease, chronic, autosomal recessive, cytochrome b-positive, type 2. Last evaluated: 2021-08-24. Review status: criteria provided, single submitter. Criteria: Invitae Variant Classification Sherloc (09022015). Collection method: clinical testing. Allele origin: germline.
Comment: This sequence change replaces isoleucine with methionine at codon 7 of the NCF2 protein (p.Ile7Met). The isoleucine residue is moderately conserved and there is a small physicochemical difference between isoleucine and methionine. This variant is not present in population databases (ExAC no frequency). This variant has not been reported in the literature in individuals affected with NCF2-related conditions. Algorithms developed to predict the effect of missense changes on protein structure and function are either unavailable or do not agree on the potential impact of this missense change (SIFT: "Tolerated"; PolyPhen-2: "Probably Damaging"; Align-GVGD: "Class C0"). In summary, the available evidence is currently insufficient to determine the role of this variant in disease. Therefore, it has been classified as a Variant of Uncertain Significance.